The following is an entry in ClinVar:

NM_025114.4(CEP290):c.4239C>A (p.Asp1413Glu)

Gene: CEP290 (centrosomal protein 290; minus strand). Cytogenetic location: 12q21.32.
Variant type: single nucleotide variant.
Coding change: c.4239C>A on transcript NM_025114.4 (MANE Select); coding-DNA position 4239, C replaced by A.
Protein change: p.Asp1413Glu; replaces aspartic acid 1413 with glutamic acid.
Molecular consequence: missense variant.
Genome position (GRCh38, 1-based): chr12:88,086,454, G>T on the plus strand (C>A on the coding strand, the complement: CEP290 is on the minus strand). VCF-style: chr12-88086454-G-T. GRCh37 (hg19) VCF-style: chr12-88480231-G-T.
Other names: short protein forms D1413E.
Identifiers: ClinVar variation 2151034 (VCV002151034.4), dbSNP rs2500017941, ClinGen allele CA385997481.
Genomic context (GRCh38, chr12:88,086,454, plus strand): 5'-TTGTGCCGCATTTAGTATTTCATTTTGCTGACGGTCAAAAATGTCTAGTTGGCGTTCCAG[G>T]TCAACTTCTCTTTGATCCCAGGCCATTTGTCTTTCTTCATGAAACTAAAAAAAGGACAAT-3'
Protein context (NP_079390.3, residues 1403-1423): RQMAWDQREV[Asp1413Glu]LERQLDIFDR

ClinVar aggregate classification (germline): Uncertain significance (1 of 4 stars; one submission).

Conditions:
Joubert syndrome. Also called: CEREBELLOPARENCHYMAL DISORDER IV; JOUBERT-BOLTSHAUSER SYNDROME; Familial aplasia of the vermis. Identifiers: Orphanet 475, MedGen C5979921, MONDO:0018772.
Nephronophthisis. Also called: Juvenile Nephronophthisis. Identifiers: Orphanet 655, MedGen C0687120, MONDO:0019005, HP:0000090.
Meckel-Gruber syndrome. Also called: DYSENCEPHALIA SPLANCHNOCYSTICA; GRUBER SYNDROME; Dysencephalia splachnocystica. Identifiers: Orphanet 564, MedGen C0265215, MONDO:0018921.

Submission:

Labcorp Genetics (formerly Invitae), Labcorp
Classification: Uncertain significance for Joubert syndrome; Meckel-Gruber syndrome; Nephronophthisis. Last evaluated: 2022-11-22. Review status: criteria provided, single submitter. Criteria: Invitae Variant Classification Sherloc (09022015). Collection method: clinical testing. Allele origin: germline.
Comment: In summary, the available evidence is currently insufficient to determine the role of this variant in disease. Therefore, it has been classified as a Variant of Uncertain Significance. Advanced modeling of protein sequence and biophysical properties (such as structural, functional, and spatial information, amino acid conservation, physicochemical variation, residue mobility, and thermodynamic stability) performed at Invitae indicates that this missense variant is not expected to disrupt CEP290 protein function. This variant has not been reported in the literature in individuals affected with CEP290-related conditions. This variant is not present in population databases (gnomAD no frequency). This sequence change replaces aspartic acid, which is acidic and polar, with glutamic acid, which is acidic and polar, at codon 1413 of the CEP290 protein (p.Asp1413Glu).